The following is an entry in ClinVar:

NM_000363.5(TNNI3):c.175C>T (p.Gln59Ter)

Gene: TNNI3 (troponin I3, cardiac type; minus strand). Cytogenetic location: 19q13.42.
Variant type: single nucleotide variant.
Coding change: c.175C>T on transcript NM_000363.5 (MANE Select); coding-DNA position 175, C replaced by T.
Protein change: p.Gln59Ter; replaces glutamine 59 with a stop codon.
Molecular consequence: nonsense.
Genome position (GRCh38, 1-based): chr19:55,156,308, G>A on the plus strand (C>T on the coding strand, the complement: TNNI3 is on the minus strand). VCF-style: chr19-55156308-G-A. GRCh37 (hg19) VCF-style: chr19-55667676-G-A.
Other names: short protein forms Q59*.
Identifiers: ClinVar variation 2504427 (VCV002504427.1), dbSNP rs2085729446, ClinGen allele CA407441981.

ClinVar aggregate classification (germline): Uncertain significance (1 of 4 stars; one submission).

Submission:

GeneDx
Classification: Uncertain significance. Last evaluated: 2022-11-23. Review status: criteria provided, single submitter. Criteria: GeneDx Variant Classification Process June 2021. Collection method: clinical testing. Allele origin: germline. Affected: yes.
Comment: Not observed at significant frequency in large population cohorts (gnomAD); Nonsense variant predicted to result in protein truncation or nonsense mediated decay in a gene or region of a gene for which loss of function is not a well-established mechanism of disease; Has not been previously published as pathogenic or benign to our knowledge